The following is an entry in ClinVar:

NM_003482.4(KMT2D):c.9475A>G (p.Ser3159Gly)

Gene: KMT2D (lysine methyltransferase 2D; minus strand). Cytogenetic location: 12q13.12.
Variant type: single nucleotide variant.
Coding change: c.9475A>G on transcript NM_003482.4 (MANE Select); coding-DNA position 9475, A replaced by G.
Protein change: p.Ser3159Gly; replaces serine 3159 with glycine.
Molecular consequence: missense variant.
Genome position (GRCh38, 1-based): chr12:49,037,881, T>C on the plus strand (A>G on the coding strand, the complement: KMT2D is on the minus strand). VCF-style: chr12-49037881-T-C. GRCh37 (hg19) VCF-style: chr12-49431664-T-C.
Other names: short protein forms S3159G.
Identifiers: ClinVar variation 4885694 (VCV004885694.2).
Genomic context (GRCh38, chr12:49,037,881, plus strand): 5'-TGTGCCCACTGCTAGAAAATGGCCCTGTGCCCATCCGGGTATCCCGGCTGCCCATCATGC[T>C]CTGTCCTGGCTTTAGCCCCAGGCCAAGGGAATTGGCAGCAGGTGCGGGCTCTACCTTGGG-3'
Protein context (NP_003473.3, residues 3149-3169): SLGLGLKPGQ[Ser3159Gly]MMGSRDTRMG

ClinVar aggregate classification (germline): Uncertain significance (1 of 4 stars; one submission).

Submission:

Dasa
Classification: Uncertain significance. Last evaluated: 2025-09-12. Review status: criteria provided, single submitter. Criteria: DASA Assertion Criteria. Collection method: clinical testing. Allele origin: germline.
Comment: NM_003482.4(KMT2D):c.9475A>G (p.Ser3159Gly) is a missense variant that results in the substitution of serine with glycine. This variant is absent from population databases. The currently available literature and clinical evidence are not sufficient to establish a definitive association between this variant and the reported condition. Therefore, this variant is classified as a variant of uncertain significance.